The following is an entry in ClinVar:

NM_000069.3(CACNA1S):c.695-101A>G

Gene: CACNA1S (calcium voltage-gated channel subunit alpha1 S; minus strand). Cytogenetic location: 1q32.1.
Variant type: single nucleotide variant.
Coding change: c.695-101A>G on transcript NM_000069.3 (MANE Select); 101 bases into the intron before coding-DNA position 695, A replaced by G.
Molecular consequence: intron variant.
Genome position (GRCh38, 1-based): chr1:201,089,564, T>C on the plus strand (A>G on the coding strand, the complement: CACNA1S is on the minus strand). VCF-style: chr1-201089564-T-C. GRCh37 (hg19) VCF-style: chr1-201058692-T-C.
Identifiers: ClinVar variation 678218 (VCV000678218.1), dbSNP rs2296384, ClinGen allele CA10855058.

ClinVar aggregate classification (germline): Benign (1 of 4 stars; one submission).

Allele frequency attached by ClinVar (database versions not stated): 1000 Genomes Project 0.52177; 1000 Genomes Project 30x 0.52561; TOPMed 0.58248; gnomAD 0.58326 and 0.58868; gnomAD exomes 0.60053.
gnomAD v4.1: 673,209 of 1,126,138 alleles (60%); highest among the groups gnomAD compares: Non-Finnish European, 63%; 204,469 homozygotes.

Submission:

GeneDx
Classification: Benign. Last evaluated: 2018-06-14. Review status: criteria provided, single submitter. Criteria: GeneDx Variant Classification (06012015). Collection method: clinical testing. Allele origin: germline. Affected: yes.
Comment: This variant is considered likely benign or benign based on one or more of the following criteria: it is a conservative change, it occurs at a poorly conserved position in the protein, it is predicted to be benign by multiple in silico algorithms, and/or has population frequency not consistent with disease.